The following is an entry in ClinVar:

ClinVar aggregate classification (germline): Pathogenic (1 of 4 stars; one submission).

Conditions:
Neurofibromatosis, type 1 (NF1). Also called: VON RECKLINGHAUSEN DISEASE; Peripheral type neurofibromatosis; NEUROFIBROMATOSIS, TYPE I, SOMATIC; Neurofibromatosis, type I. Identifiers: Orphanet 636, MedGen C0027831, MONDO:0018975, OMIM 162200. Disease mechanism: loss of function.

Submission:

Labcorp Genetics (formerly Invitae), Labcorp
Classification: Pathogenic for Neurofibromatosis, type 1. Last evaluated: 2025-02-25. Review status: criteria provided, single submitter. Criteria: Invitae Variant Classification Sherloc (09022015). Collection method: clinical testing. Allele origin: germline.
Comment: This sequence change creates a premature translational stop signal (p.Thr2388Tyrfs*2) in the NF1 gene. It is expected to result in an absent or disrupted protein product. Loss-of-function variants in NF1 are known to be pathogenic (PMID: 10712197, 23913538). This variant is not present in population databases (gnomAD no frequency). This variant has not been reported in the literature in individuals affected with NF1-related conditions. For these reasons, this variant has been classified as Pathogenic.

Literature cited by the submitters: PubMed 10712197; PubMed 23913538.

NM_001042492.3(NF1):c.7225_7246del (p.Thr2409fs)

Gene: NF1 (neurofibromin 1; plus strand). Cytogenetic location: 17q11.2.
Variant type: Deletion.
Coding change: c.7225_7246del on transcript NM_001042492.3 (MANE Select); coding-DNA positions 7225 to 7246, 22 bases deleted (ACAGTCAGAATTTTACATACAC).
Protein change: p.Thr2409fs; shifts the reading frame from threonine 2409.
Molecular consequence: frameshift variant.
Genome position (GRCh38, 1-based): chr17:31,349,155-31,349,176, ACAGTCAGAATTTTACATACAC deleted. VCF-style (leftmost placement, unchanged base first): chr17-31349154-AACAGTCAGAATTTTACATACAC-A. GRCh37 (hg19) VCF-style: chr17-29676172-AACAGTCAGAATTTTACATACAC-A.
Other names: c.7162_7183del, p.Thr2388fs (NM_000267.4); short protein forms T2388fs, T2409fs.
Identifiers: ClinVar variation 4713777 (VCV004713777.1).
Genomic context (GRCh38, chr17:31,349,154, plus strand): 5'-TTTGTTTGTTTGTTTGTTTTTTGTAGGGTACAGGCATCCTTCACCTGCTATTGTTGCAAG[AACAGTCAGAATTTTACATACAC>A]TACTAACTCTGGTTAACAAACACAGAAATTGTGACAAATTTGAAGTGAATACACAGAGCG-3'